The following is an entry in ClinVar:

ClinVar aggregate classification (germline): Uncertain significance (1 of 4 stars; one submission).

Conditions:
Catecholaminergic polymorphic ventricular tachycardia 1. Also called: RYR2-Related Catecholaminergic Polymorphic Ventricular Tachycardia; VENTRICULAR TACHYCARDIA, CATECHOLAMINERGIC POLYMORPHIC, 1, WITH OR WITHOUT ATRIAL DYSFUNCTION AND/OR DILATED CARDIOMYOPATHY; VENTRICULAR TACHYCARDIA, STRESS-INDUCED POLYMORPHIC 1. Identifiers: Orphanet 3286, MedGen C1631597, MONDO:0011484, OMIM 604772.

Submission:

Labcorp Genetics (formerly Invitae), Labcorp
Classification: Uncertain significance for Catecholaminergic polymorphic ventricular tachycardia 1. Last evaluated: 2020-04-10. Review status: criteria provided, single submitter. Criteria: Invitae Variant Classification Sherloc (09022015). Collection method: clinical testing. Allele origin: germline.
Comment: In summary, the available evidence is currently insufficient to determine the role of this variant in disease. Therefore, it has been classified as a Variant of Uncertain Significance. Experimental studies and prediction algorithms are not available or were not evaluated, and the functional significance of this variant is currently unknown. This variant has not been reported in the literature in individuals with TRDN-related conditions. This variant results in a copy number gain of the genomic region encompassing exon(s) 10-13 of the TRDN gene. While the exact position of this variant cannot be determined from the data, sub-genic copy number gains are generally in tandem (PMID: 25640679). This variant is predicted to be in-frame, and likely preserves the integrity of the reading frame.

Literature cited by the submitters: PubMed 25640679.

NC_000006.11:g.(?_123714759)_(123786138_?)dup

Gene: TRDN (triadin; minus strand). Cytogenetic location: 6q22.31.
Variant type: Duplication.
Identifiers: ClinVar variation 1024713 (VCV001024713.44).